The following is an entry in ClinVar:

ClinVar aggregate classification (germline): Uncertain significance (1 of 4 stars; one submission).

Conditions:
Kufor-Rakeb syndrome (KRS). Also called: PARKINSON DISEASE 9, AUTOSOMAL RECESSIVE, JUVENILE-ONSET. Identifiers: Orphanet 306674, Orphanet 314632, MedGen C1847640, MONDO:0011706, OMIM 606693.
Autosomal recessive spastic paraplegia type 78. Identifiers: Orphanet 513436, MedGen C5567893, MONDO:0014975, OMIM 617225.

Submission:

Labcorp Genetics (formerly Invitae), Labcorp
Classification: Uncertain significance for Kufor-Rakeb syndrome; Autosomal recessive spastic paraplegia type 78. Last evaluated: 2021-05-16. Review status: criteria provided, single submitter. Criteria: Invitae Variant Classification Sherloc (09022015). Collection method: clinical testing. Allele origin: germline.
Comment: This sequence change replaces leucine with valine at codon 454 of the ATP13A2 protein (p.Leu454Val). The leucine residue is weakly conserved and there is a small physicochemical difference between leucine and valine. In summary, the available evidence is currently insufficient to determine the role of this variant in disease. Therefore, it has been classified as a Variant of Uncertain Significance. Advanced modeling of protein sequence and biophysical properties (such as structural, functional, and spatial information, amino acid conservation, physicochemical variation, residue mobility, and thermodynamic stability) performed at Invitae indicates that this missense variant is not expected to disrupt ATP13A2 protein function. This variant has not been reported in the literature in individuals with ATP13A2-related conditions. This variant is not present in population databases (ExAC no frequency).

NM_022089.4(ATP13A2):c.1360C>G (p.Leu454Val)

Gene: ATP13A2 (ATPase cation transporting 13A2; minus strand). Cytogenetic location: 1p36.13.
Variant type: single nucleotide variant.
Coding change: c.1360C>G on transcript NM_022089.4 (MANE Select); coding-DNA position 1360, C replaced by G.
Protein change: p.Leu454Val; replaces leucine 454 with valine.
Molecular consequence: missense variant.
Genome position (GRCh38, 1-based): chr1:16,996,158, G>C on the plus strand (C>G on the coding strand, the complement: ATP13A2 is on the minus strand). VCF-style: chr1-16996158-G-C. GRCh37 (hg19) VCF-style: chr1-17322653-G-C.
Other names: c.1345C>G, p.Leu449Val (NM_001141973.3, NM_001141974.3); short protein forms L449V, L454V.
Identifiers: ClinVar variation 1476951 (VCV001476951.8), dbSNP rs2100884368, ClinGen allele CA338252939.